The following is an entry in ClinVar:

ClinVar aggregate classification (germline): Likely pathogenic (1 of 4 stars; one submission).

Conditions:
DYNC1H1-related disorder. Also called: DYNC1H1-related condition; DYNC1H1-related disorders. Identifiers: MedGen CN381529.

Submission:

PreventionGenetics, part of Exact Sciences
Classification: Likely pathogenic for DYNC1H1-related condition. Last evaluated: 2025-04-15. Review status: criteria provided, single submitter. Criteria: ACMG Guidelines, 2015. Collection method: clinical testing. Allele origin: germline.
Comment: The DYNC1H1 c.7077delC variant is predicted to result in a frameshift and premature protein termination (p.Cys2359Trpfs*11). To our knowledge, this variant has not been reported in the literature or in a large population database (gnomAD), indicating this variant is rare. Frameshift variants in DYNC1H1 are expected to be pathogenic. This variant is interpreted as likely pathogenic.

NM_001376.5(DYNC1H1):c.7077del (p.Cys2359fs)

Gene: DYNC1H1 (dynein cytoplasmic 1 heavy chain 1; plus strand). Cytogenetic location: 14q32.31.
Variant type: Deletion.
Coding change: c.7077del on transcript NM_001376.5 (MANE Select); coding-DNA position 7077, one base deleted (C; older notation c.7077delC).
Protein change: p.Cys2359fs; shifts the reading frame from cysteine 2359.
Molecular consequence: frameshift variant.
Genome position (GRCh38, 1-based): chr14:102,015,167, C deleted. VCF-style (leftmost placement, unchanged base first): chr14-102015166-GC-G. GRCh37 (hg19) VCF-style: chr14-102481503-GC-G.
Other names: short protein forms C2359fs.
Identifiers: ClinVar variation 4999771 (VCV004999771.1).